The following is an entry in ClinVar:

NM_001035.3(RYR2):c.11402+7_11402+9del

Gene: RYR2 (ryanodine receptor 2; plus strand). Cytogenetic location: 1q43.
Variant type: Deletion.
Coding change: c.11402+7_11402+9del on transcript NM_001035.3 (MANE Select); bases 7 to 9 of the intron after coding-DNA position 11402, 3 bases deleted (ACT; older notation c.11402+7_11402+9delACT).
Molecular consequence: intron variant.
Genome position (GRCh38, 1-based): chr1:237,759,859-237,759,861, ACT deleted. VCF-style (leftmost placement, unchanged base first): chr1-237759858-GACT-G. GRCh37 (hg19) VCF-style: chr1-237923158-GACT-G.
Other names: c.11402+7_11402+9del (LRG_402t1).
Identifiers: ClinVar variation 201180 (VCV000201180.11), dbSNP rs794728701, ClinGen allele CA006999.

ClinVar aggregate classification (germline): Benign/Likely benign. Review status: criteria provided, multiple submitters, no conflicts (2 of 4 stars). 2 submissions from 2 submitters: Benign (1); Likely benign (1). Last evaluated 2024-10-16.

Conditions:
Catecholaminergic polymorphic ventricular tachycardia 1. Also called: RYR2-Related Catecholaminergic Polymorphic Ventricular Tachycardia; VENTRICULAR TACHYCARDIA, CATECHOLAMINERGIC POLYMORPHIC, 1, WITH OR WITHOUT ATRIAL DYSFUNCTION AND/OR DILATED CARDIOMYOPATHY; VENTRICULAR TACHYCARDIA, STRESS-INDUCED POLYMORPHIC 1. Identifiers: Orphanet 3286, MedGen C1631597, MONDO:0011484, OMIM 604772.

Submissions (2):

Labcorp Genetics (formerly Invitae), Labcorp
Classification: Likely benign for Catecholaminergic polymorphic ventricular tachycardia 1. Last evaluated: 2024-10-16. Review status: criteria provided, single submitter. Criteria: Invitae Variant Classification Sherloc (09022015). Collection method: clinical testing. Allele origin: germline.

GeneDx
Classification: Benign. Last evaluated: 2011-07-16. Review status: criteria provided, single submitter. Criteria: GeneDx Variant Classification (06012015). Collection method: clinical testing. Allele origin: germline. Affected: yes.
Comment: The variant is found in ARVC panel(s).